The following is an entry in ClinVar:

NM_020338.4(ZMIZ1):c.958-1G>A

Gene: ZMIZ1 (zinc finger MIZ-type containing 1; plus strand). Cytogenetic location: 10q22.3.
Variant type: single nucleotide variant.
Coding change: c.958-1G>A on transcript NM_020338.4 (MANE Select); the canonical splice acceptor site of the intron before coding-DNA position 958, G replaced by A.
Molecular consequence: splice acceptor variant.
Genome position (GRCh38, 1-based): chr10:79,293,380, G>A. VCF-style: chr10-79293380-G-A. GRCh37 (hg19) VCF-style: chr10-81053137-G-A.
Identifiers: ClinVar variation 4812894 (VCV004812894.1).

ClinVar aggregate classification (germline): Likely pathogenic (1 of 4 stars; one submission).

Submission:

GeneDx
Classification: Likely pathogenic. Last evaluated: 2025-08-27. Review status: criteria provided, single submitter. Criteria: GeneDx Variant Classification Process June 2021. Collection method: clinical testing. Allele origin: germline. Affected: yes.
Comment: Canonical splice site variant predicted to result in an in-frame loss of the adjacent exon in a gene for which loss of function is a known mechanism of disease; Not observed at significant frequency in large population cohorts (gnomAD); Has not been previously published as pathogenic or benign to our knowledge